The following is an entry in ClinVar:

ClinVar aggregate classification (germline): Likely benign. Review status: criteria provided, multiple submitters, no conflicts (2 of 4 stars). 3 submissions from 3 submitters: Likely benign (3). Last evaluated 2025-08-26.

Conditions:
Wilson disease (WND). Also called: Wilson's disease. Identifiers: Orphanet 905, MedGen C0019202, MONDO:0010200, OMIM 277900. Disease mechanism: loss of function.
Inborn genetic diseases. Identifiers: MedGen C0950123, MeSH D030342.

Allele frequency attached by ClinVar (database versions not stated): gnomAD exomes below 0.00001 and 0.00003; gnomAD 0.00001; TOPMed 0.00002; ExAC 0.00003.
gnomAD v4.1: 7 of 1,614,128 alleles (0.00043%); highest among the groups gnomAD compares: East Asian, 0.016%; no homozygotes.

Submissions (3):

Labcorp Genetics (formerly Invitae), Labcorp
Classification: Likely benign for Wilson disease. Last evaluated: 2025-08-26. Review status: criteria provided, single submitter. Criteria: Invitae Variant Classification Sherloc (09022015). Collection method: clinical testing. Allele origin: germline.

Ambry Genetics
Classification: Likely benign for Inborn genetic diseases. Last evaluated: 2024-12-31. Review status: criteria provided, single submitter. Criteria: Ambry Variant Classification Scheme 2023. Collection method: clinical testing. Allele origin: germline.

All of Us Research Program, National Institutes of Health
Classification: Likely benign for Wilson disease. Last evaluated: 2023-05-31. Review status: criteria provided, single submitter. Criteria: ACMG Guidelines, 2015. Collection method: clinical testing. Allele origin: germline. Inheritance: Autosomal recessive inheritance. Observed: 2 variant alleles, 2 heterozygotes.
Comment: This study involves interpretation of variants in research participants for the purpose of population health screening. Participant phenotype was not available at the time of variant classification. Additional details can be found in publication PMID: 35346344, PMCID: PMC8962531

NM_000053.4(ATP7B):c.3783A>G (p.Lys1261=)

Gene: ATP7B (ATPase copper transporting beta; minus strand). Cytogenetic location: 13q14.3.
Variant type: single nucleotide variant.
Coding change: c.3783A>G on transcript NM_000053.4 (MANE Select); coding-DNA position 3783, A replaced by G.
Protein change: p.Lys1261=; no amino-acid change (lysine 1261 retained).
Molecular consequence: synonymous variant.
Genome position (GRCh38, 1-based): chr13:51,937,596, T>C on the plus strand (A>G on the coding strand, the complement: ATP7B is on the minus strand). VCF-style: chr13-51937596-T-C. GRCh37 (hg19) VCF-style: chr13-52511732-T-C.
Other names: c.3162A>G, p.Lys1054= (NM_001005918.3); c.3450A>G, p.Lys1150= (NM_001243182.2); c.3549A>G, p.Lys1183= (NM_001330578.2); c.3531A>G, p.Lys1177= (NM_001330579.2); c.3783A>G (NM_000053.3).
Identifiers: ClinVar variation 1084206 (VCV001084206.11), dbSNP rs774940838, ClinGen allele CA6988570.
Genomic context (GRCh38, chr13:51,937,596, plus strand): 5'-ACCCATGTCTGCCTGGGCCAAGGCCGGGGAGTCATTGACCCCATCCCCCACCATGGCGAC[T>C]TTCTTCCCTTTATTCTGGAGCTCCTGGACCTTGGCCACCTTGTGCGAAGGCAGCACCTCT-3'
Protein context (NP_000044.2, residues 1251-1271): KVQELQNKGK[Lys1261=]VAMVGDGVND